The following is an entry in ClinVar:

ClinVar aggregate classification (germline): Uncertain significance. Review status: criteria provided, multiple submitters, no conflicts (2 of 4 stars). 2 submissions from 2 submitters: Uncertain significance (2). Last evaluated 2025-11-03.

Conditions:
Inborn genetic diseases. Identifiers: MedGen C0950123, MeSH D030342.

Allele frequency attached by ClinVar (database versions not stated): gnomAD exomes below 0.00001; gnomAD 0.00001.
gnomAD v4.1: 3 of 1,596,990 alleles (0.00019%); highest among the groups gnomAD compares: Non-Finnish European, 0.00026%; no homozygotes.

Submissions (2):

Ambry Genetics
Classification: Uncertain significance for Inborn genetic diseases. Last evaluated: 2025-11-03. Review status: criteria provided, single submitter. Criteria: Ambry Variant Classification Scheme 2023. Collection method: clinical testing. Allele origin: germline.

GeneDx
Classification: Uncertain significance. Last evaluated: 2022-01-06. Review status: criteria provided, single submitter. Criteria: GeneDx Variant Classification Process June 2021. Collection method: clinical testing. Allele origin: germline. Affected: yes.
Comment: Not observed at significant frequency in large population cohorts (gnomAD); In silico analysis supports that this missense variant has a deleterious effect on protein structure/function; Has not been previously published as pathogenic or benign to our knowledge

NM_001318852.2(MAPK8IP3):c.1951G>A (p.Val651Met)

Gene: MAPK8IP3 (mitogen-activated protein kinase 8 interacting protein 3; plus strand). Cytogenetic location: 16p13.3.
Variant type: single nucleotide variant.
Coding change: c.1951G>A on transcript NM_001318852.2 (MANE Select); coding-DNA position 1951, G replaced by A.
Protein change: p.Val651Met; replaces valine 651 with methionine.
Molecular consequence: missense variant.
Genome position (GRCh38, 1-based): chr16:1,763,709, G>A. VCF-style: chr16-1763709-G-A. GRCh37 (hg19) VCF-style: chr16-1813710-G-A.
Other names: c.1948G>A (NM_015133.3); c.1930G>A, p.Val644Met (NM_001040439.2); c.1948G>A, p.Val650Met (NM_015133.5); short protein forms V644M, V650M, V651M.
Identifiers: ClinVar variation 1695609 (VCV001695609.3), dbSNP rs2042084817, ClinGen allele CA394233270.